The following is an entry in ClinVar:

NM_016955.4(SEPSECS):c.115-4T>C

Gene: SEPSECS (Sep (O-phosphoserine) tRNA:Sec (selenocysteine) tRNA synthase; minus strand). Cytogenetic location: 4p15.2.
Variant type: single nucleotide variant.
Coding change: c.115-4T>C on transcript NM_016955.4 (MANE Select); 4 bases into the intron before coding-DNA position 115, T replaced by C.
Molecular consequence: intron variant.
Genome position (GRCh38, 1-based): chr4:25,159,111, A>G on the plus strand (T>C on the coding strand, the complement: SEPSECS is on the minus strand). VCF-style: chr4-25159111-A-G. GRCh37 (hg19) VCF-style: chr4-25160733-A-G.
Other names: c.115-4T>C (NM_016955.3).
Identifiers: ClinVar variation 1114185 (VCV001114185.10), dbSNP rs766639071, ClinGen allele CA2877533.

ClinVar aggregate classification (germline): Likely benign. Review status: criteria provided, multiple submitters, no conflicts (2 of 4 stars). 2 submissions from 2 submitters: Likely benign (2). Last evaluated 2025-04-29.

Conditions:
SEPSECS-related disorder. Also called: SEPSECS-related condition.

Allele frequency attached by ClinVar (database versions not stated): gnomAD 0.00011 and 0.00012; ExAC 0.00076; gnomAD exomes 0.00109.
gnomAD v4.1: 70 of 623,166 alleles (0.011%); highest among the groups gnomAD compares: Admixed American, 0.022%; no homozygotes.

Submissions (2):

Labcorp Genetics (formerly Invitae), Labcorp
Classification: Likely benign. Last evaluated: 2025-04-29. Review status: criteria provided, single submitter. Criteria: Invitae Variant Classification Sherloc (09022015). Collection method: clinical testing. Allele origin: germline.

PreventionGenetics, part of Exact Sciences
Classification: Likely benign for SEPSECS-related condition. Last evaluated: 2024-11-01. Review status: criteria provided, single submitter. Criteria: ACMG Guidelines, 2015. Collection method: clinical testing. Allele origin: germline.
Comment: This variant is classified as likely benign based on ACMG/AMP sequence variant interpretation guidelines (Richards et al. 2015 PMID: 25741868, with internal and published modifications).